The following is an entry in ClinVar:

NM_005529.7(HSPG2):c.12116C>T (p.Ser4039Leu)

Gene: HSPG2 (heparan sulfate proteoglycan 2; minus strand). Cytogenetic location: 1p36.12.
Variant type: single nucleotide variant.
Coding change: c.12116C>T on transcript NM_005529.7 (MANE Select); coding-DNA position 12116, C replaced by T.
Protein change: p.Ser4039Leu; replaces serine 4039 with leucine.
Molecular consequence: missense variant.
Genome position (GRCh38, 1-based): chr1:21,828,956, G>A on the plus strand (C>T on the coding strand, the complement: HSPG2 is on the minus strand). VCF-style: chr1-21828956-G-A. GRCh37 (hg19) VCF-style: chr1-22155449-G-A.
Other names: c.12119C>T, p.Ser4040Leu (NM_001291860.2); c.12116C>T (NM_005529.5); short protein forms S4040L, S4039L.
Identifiers: ClinVar variation 1409399 (VCV001409399.8), dbSNP rs1378916104, ClinGen allele CA338901151.

ClinVar aggregate classification (germline): Uncertain significance. Review status: criteria provided, multiple submitters, no conflicts (2 of 4 stars). 3 submissions from 3 submitters: Uncertain significance (3). Last evaluated 2023-07-07.

Conditions:
Inborn genetic diseases. Identifiers: MedGen C0950123, MeSH D030342.

Allele frequency attached by ClinVar (database versions not stated): gnomAD 0.00002; TOPMed 0.00002; gnomAD exomes 0.00003 and 0.00004.
gnomAD v4.1: 41 of 1,577,078 alleles (0.0026%); highest among the groups gnomAD compares: Admixed American, 0.0036%; no homozygotes.

Submissions (3):

Labcorp Genetics (formerly Invitae), Labcorp
Classification: Uncertain significance. Last evaluated: 2023-07-07. Review status: criteria provided, single submitter. Criteria: Invitae Variant Classification Sherloc (09022015). Collection method: clinical testing. Allele origin: germline.
Comment: This sequence change replaces serine, which is neutral and polar, with leucine, which is neutral and non-polar, at codon 4039 of the HSPG2 protein (p.Ser4039Leu). The frequency data for this variant in the population databases is considered unreliable, as metrics indicate poor data quality at this position in the gnomAD database. This variant has not been reported in the literature in individuals affected with HSPG2-related conditions. ClinVar contains an entry for this variant (Variation ID: 1409399). An algorithm developed to predict the effect of missense changes on protein structure and function (PolyPhen-2) suggests that this variant is likely to be disruptive. In summary, the available evidence is currently insufficient to determine the role of this variant in disease. Therefore, it has been classified as a Variant of Uncertain Significance.

Athena Diagnostics
Classification: Uncertain significance. Last evaluated: 2022-02-21. Review status: criteria provided, single submitter. Criteria: Athena Diagnostics Criteria. Collection method: clinical testing. Allele origin: unknown.

Ambry Genetics
Classification: Uncertain significance for Inborn genetic diseases. Last evaluated: 2021-08-12. Review status: criteria provided, single submitter. Criteria: Ambry Variant Classification Scheme 2023. Collection method: clinical testing. Allele origin: germline.